The following is an entry in ClinVar:

NM_001134363.3(RBM20):c.1769T>A (p.Met590Lys)

Gene: RBM20 (RNA binding motif protein 20; plus strand). Cytogenetic location: 10q25.2.
Variant type: single nucleotide variant.
Coding change: c.1769T>A on transcript NM_001134363.3 (MANE Select); coding-DNA position 1769, T replaced by A.
Protein change: p.Met590Lys; replaces methionine 590 with lysine.
Molecular consequence: missense variant.
Genome position (GRCh38, 1-based): chr10:110,799,887, T>A. VCF-style: chr10-110799887-T-A. GRCh37 (hg19) VCF-style: chr10-112559645-T-A.
Other names: short protein forms M590K.
Identifiers: ClinVar variation 229189 (VCV000229189.10), dbSNP rs794729147, ClinGen allele CA10576766.
Genomic context (GRCh38, chr10:110,799,887, plus strand): 5'-TGGTCCAGTATTATCAAGAAAAATCTGCTGTGATCAATGGTGAGAAGTTGCTCATTCGGA[T>A]GTCCAAGAGATACAAGGAATTGCAGCTCAAGGTAAAGCATTATCTTGCTCATTCAGTCAT-3'
Protein context (NP_001127835.2, residues 580-600): VINGEKLLIR[Met590Lys]SKRYKELQLK

ClinVar aggregate classification (germline): Uncertain significance. Review status: criteria provided, multiple submitters, no conflicts (2 of 4 stars). 2 submissions from 2 submitters: Uncertain significance (2). Last evaluated 2022-05-30.

Conditions:
Dilated cardiomyopathy 1DD (CMD1DD). Identifiers: Orphanet 154, MedGen C2750995, MONDO:0013168, OMIM 613172.

Submissions (2):

Labcorp Genetics (formerly Invitae), Labcorp
Classification: Uncertain significance for Dilated cardiomyopathy 1DD. Last evaluated: 2022-05-30. Review status: criteria provided, single submitter. Criteria: Invitae Variant Classification Sherloc (09022015). Collection method: clinical testing. Allele origin: germline.
Comment: This sequence change replaces methionine, which is neutral and non-polar, with lysine, which is basic and polar, at codon 590 of the RBM20 protein (p.Met590Lys). This variant is not present in population databases (gnomAD no frequency). This variant has not been reported in the literature in individuals affected with RBM20-related conditions. ClinVar contains an entry for this variant (Variation ID: 229189). Advanced modeling of protein sequence and biophysical properties (such as structural, functional, and spatial information, amino acid conservation, physicochemical variation, residue mobility, and thermodynamic stability) performed at Invitae indicates that this missense variant is expected to disrupt RBM20 protein function. In summary, the available evidence is currently insufficient to determine the role of this variant in disease. Therefore, it has been classified as a Variant of Uncertain Significance.

Laboratory for Molecular Medicine, Mass General Brigham Personalized Medicine
Classification: Uncertain significance. Last evaluated: 2015-06-24. Review status: criteria provided, single submitter. Criteria: LMM Criteria. Collection method: clinical testing. Allele origin: germline. Observed: 1 variant allele.
Comment: The p.Met590Lys variant in RBM20 has not been previously reported in individuals with cardiomyopathy. Data from large population studies is insufficient to asse ss the frequency of this variant. Computational prediction tools and conservatio n analysis suggest that this variant may impact the protein, though this informa tion is not predictive enough to determine pathogenicity. In summary, the clinic al significance of the p.Met590Lys variant is uncertain.